The following is an entry in ClinVar:

NM_001127511.3(APC):c.31G>T (p.Ala11Ser)

Gene: APC (APC regulator of Wnt signaling pathway; plus strand). Cytogenetic location: 5q22.2.
Variant type: single nucleotide variant.
Coding change: c.31G>T on transcript NM_001127511.3; coding-DNA position 31, G replaced by T.
Protein change: p.Ala11Ser; replaces alanine 11 with serine.
Molecular consequence: missense variant. On other transcripts: intron variant (5), 5 prime UTR variant (8), non-coding transcript variant (1).
Genome position (GRCh38, 1-based): chr5:112,707,748, G>T. VCF-style: chr5-112707748-G-T. GRCh37 (hg19) VCF-style: chr5-112043445-G-T.
Other names: c.-19+99G>T (NM_001407457.1, NM_001407458.1, NM_001407448.1 and 1 more transcripts); c.-43+99G>T (NM_001407453.1); c.-153G>T (NM_001354895.2, NM_001407447.1, NM_001407452.1 and 3 more transcripts); c.31G>T, p.Ala11Ser (NM_001354897.2, NM_001354902.2, NM_001407446.1); c.-1188G>T (NM_001407470.1, NM_001407472.1); short protein forms A11S.
Identifiers: ClinVar variation 2161265 (VCV002161265.3), dbSNP rs1750604515, ClinGen allele CA360611686.

ClinVar aggregate classification (germline): Uncertain significance (1 of 4 stars; one submission).

Conditions:
Familial adenomatous polyposis 1 (FAP1). Also called: FAMILIAL ADENOMATOUS POLYPOSIS 1, ATTENUATED; POLYPOSIS, ADENOMATOUS INTESTINAL. Identifiers: MedGen C2713442, MONDO:0021056, OMIM 175100. Disease mechanism: loss of function.

Submission:

Labcorp Genetics (formerly Invitae), Labcorp
Classification: Uncertain significance for Familial adenomatous polyposis 1. Last evaluated: 2025-06-12. Review status: criteria provided, single submitter. Criteria: Invitae Variant Classification Sherloc (09022015). Collection method: clinical testing. Allele origin: germline.
Comment: This variant occurs in a non-coding region of the APC gene. It does not change the encoded amino acid sequence of the APC protein. This variant is not present in population databases (gnomAD no frequency). This variant has not been reported in the literature in individuals affected with APC-related conditions. Experimental studies and prediction algorithms are not available or were not evaluated, and the functional significance of this variant is currently unknown. In summary, the available evidence is currently insufficient to determine the role of this variant in disease. Therefore, it has been classified as a Variant of Uncertain Significance.